The following is an entry in ClinVar:

NM_152564.5(VPS13B):c.7344A>G (p.Pro2448=)

Gene: VPS13B (vacuolar protein sorting 13 homolog B; plus strand). Cytogenetic location: 8q22.2.
Variant type: single nucleotide variant.
Coding change: c.7344A>G on transcript NM_152564.5 (MANE Select); coding-DNA position 7344, A replaced by G.
Protein change: p.Pro2448=; no amino-acid change (proline 2448 retained).
Molecular consequence: synonymous variant.
Genome position (GRCh38, 1-based): chr8:99,776,871, A>G. VCF-style: chr8-99776871-A-G. GRCh37 (hg19) VCF-style: chr8-100789099-A-G.
Other names: p.Pro2473=; c.7419A>G, p.Pro2473= (NM_017890.5).
Identifiers: ClinVar variation 3023059 (VCV003023059.4), dbSNP rs745547811, ClinGen allele CA4824195.

ClinVar aggregate classification (germline): Likely benign. Review status: criteria provided, multiple submitters, no conflicts (2 of 4 stars). 2 submissions from 2 submitters: Likely benign (2). Last evaluated 2026-01-18.

Conditions:
Cohen syndrome (COH1). Also called: Cutis verticis gyrata, retinitis pigmentosa, and sensorineural deafness; PEPPER SYNDROME. Identifiers: Orphanet 193, MedGen C0265223, MONDO:0008999, OMIM 216550.

Allele frequency attached by ClinVar (database versions not stated): gnomAD exomes below 0.00001; ExAC 0.00001.
gnomAD v4.1: 2 of 1,613,946 alleles (0.00012%); highest among the groups gnomAD compares: Non-Finnish European, 0.00017%; no homozygotes.

Submissions (2):

Labcorp Genetics (formerly Invitae), Labcorp
Classification: Likely benign for Cohen syndrome. Last evaluated: 2026-01-18. Review status: criteria provided, single submitter. Criteria: Invitae Variant Classification Sherloc (09022015). Collection method: clinical testing. Allele origin: germline.

Mayo Clinic Laboratories, Mayo Clinic
Classification: Likely benign. Last evaluated: 2025-07-14. Review status: criteria provided, single submitter. Criteria: ACMG Guidelines, 2015. Collection method: clinical testing. Allele origin: germline. Observed: 1 variant allele.
Comment: BP4, BP7, PM2_supporting